The following is an entry in ClinVar:

NM_000632.4(ITGAM):c.2909T>C (p.Val970Ala)

Gene: ITGAM (integrin subunit alpha M; plus strand). Cytogenetic location: 16p11.2.
Variant type: single nucleotide variant.
Coding change: c.2909T>C on transcript NM_000632.4 (MANE Select); coding-DNA position 2909, T replaced by C.
Protein change: p.Val970Ala; replaces valine 970 with alanine.
Molecular consequence: missense variant.
Genome position (GRCh38, 1-based): chr16:31,329,838, T>C. VCF-style: chr16-31329838-T-C. GRCh37 (hg19) VCF-style: chr16-31341159-T-C.
Other names: c.2912T>C, p.Val971Ala (NM_001145808.2); short protein forms V970A, V971A.
Identifiers: ClinVar variation 4721322 (VCV004721322.1).

ClinVar aggregate classification (germline): Uncertain significance (1 of 4 stars; one submission).

Submission:

Labcorp Genetics (formerly Invitae), Labcorp
Classification: Uncertain significance. Last evaluated: 2025-06-12. Review status: criteria provided, single submitter. Criteria: Invitae Variant Classification Sherloc (09022015). Collection method: clinical testing. Allele origin: germline.
Comment: This sequence change replaces valine, which is neutral and non-polar, with alanine, which is neutral and non-polar, at codon 970 of the ITGAM protein (p.Val970Ala). This variant is not present in population databases (gnomAD no frequency). This variant has not been reported in the literature in individuals affected with ITGAM-related conditions. An algorithm developed to predict the effect of missense changes on protein structure and function (PolyPhen-2) suggests that this variant is likely to be disruptive. In summary, the available evidence is currently insufficient to determine the role of this variant in disease. Therefore, it has been classified as a Variant of Uncertain Significance.